The following is an entry in ClinVar:

NM_020884.7(MYH7B):c.496C>T (p.Arg166Cys)

Gene: MYH7B (myosin heavy chain 7B; plus strand). Cytogenetic location: 20q11.22.
Variant type: single nucleotide variant.
Coding change: c.496C>T on transcript NM_020884.7 (MANE Select); coding-DNA position 496, C replaced by T.
Protein change: p.Arg166Cys; replaces arginine 166 with cysteine.
Molecular consequence: missense variant.
Genome position (GRCh38, 1-based): chr20:34,980,731, C>T. VCF-style: chr20-34980731-C-T. GRCh37 (hg19) VCF-style: chr20-33568534-C-T.
Other names: c.622C>T (NM_020884.3); short protein forms R166C.
Identifiers: ClinVar variation 2200647 (VCV002200647.5), dbSNP rs756100723, ClinGen allele CA9826449.
Genomic context (GRCh38, chr20:34,980,731, plus strand): 5'-CGCTCAGATTCCCCGCCCCATATATATGCGGTGGCGGACAACGCCTACAACGACATGCTG[C>T]GCAGTAAGGGCCGCCTGGACTCCTCCCCAACCGCAGACCCCGACCTCGGTCCCGGGAGGC-3'
Protein context (NP_065935.4, residues 156-176): VADNAYNDML[Arg166Cys]NRDNQSMLIT

ClinVar aggregate classification (germline): Uncertain significance. Review status: criteria provided, multiple submitters, no conflicts (2 of 4 stars). 2 submissions from 2 submitters: Uncertain significance (2). Last evaluated 2024-11-05.

Allele frequency attached by ClinVar (database versions not stated): ExAC 0.00001; gnomAD 0.00001; TOPMed 0.00002; gnomAD exomes 0.00003.

Submissions (2):

Labcorp Genetics (formerly Invitae), Labcorp
Classification: Uncertain significance. Last evaluated: 2024-11-05. Review status: criteria provided, single submitter. Criteria: Invitae Variant Classification Sherloc (09022015). Collection method: clinical testing. Allele origin: germline.
Comment: This sequence change replaces arginine, which is basic and polar, with cysteine, which is neutral and slightly polar, at codon 208 of the MYH7B protein (p.Arg208Cys). This variant is present in population databases (rs756100723, gnomAD 0.003%). This variant has not been reported in the literature in individuals affected with MYH7B-related conditions. ClinVar contains an entry for this variant (Variation ID: 2200647). Invitae Evidence Modeling of protein sequence and biophysical properties (such as structural, functional, and spatial information, amino acid conservation, physicochemical variation, residue mobility, and thermodynamic stability) has been performed for this missense variant. However, the output from this modeling did not meet the statistical confidence thresholds required to predict the impact of this variant on MYH7B protein function. In summary, the available evidence is currently insufficient to determine the role of this variant in disease. Therefore, it has been classified as a Variant of Uncertain Significance.

Ambry Genetics
Classification: Uncertain significance. Last evaluated: 2023-12-22. Review status: criteria provided, single submitter. Criteria: Ambry Variant Classification Scheme 2023. Collection method: clinical testing. Allele origin: germline.